The following is an entry in ClinVar:

NM_021942.6(TRAPPC11):c.1244G>A (p.Gly415Glu)

Gene: TRAPPC11 (trafficking protein particle complex subunit 11; plus strand). Cytogenetic location: 4q35.1.
Variant type: single nucleotide variant.
Coding change: c.1244G>A on transcript NM_021942.6 (MANE Select); coding-DNA position 1244, G replaced by A.
Protein change: p.Gly415Glu; replaces glycine 415 with glutamic acid.
Molecular consequence: missense variant.
Genome position (GRCh38, 1-based): chr4:183,684,011, G>A. VCF-style: chr4-183684011-G-A. GRCh37 (hg19) VCF-style: chr4-184605164-G-A.
Other names: c.1244G>A (NM_021942.4); c.1244G>A, p.Gly415Glu (NM_199053.3); short protein forms G415E.
Identifiers: ClinVar variation 957977 (VCV000957977.14), dbSNP rs150383310, ClinGen allele CA3151855.

ClinVar aggregate classification (germline): Uncertain significance. Review status: criteria provided, multiple submitters, no conflicts (2 of 4 stars). 4 submissions from 4 submitters: Uncertain significance (4). Last evaluated 2025-10-17.

Conditions:
Autosomal recessive limb-girdle muscular dystrophy type R18 (LGMDR18). Also called: MUSCULAR DYSTROPHY, LIMB-GIRDLE, AUTOSOMAL RECESSIVE 18; Autosomal recessive limb-girdle muscular dystrophy type 2S; Limb-girdle muscular dystrophy, type 2S. Identifiers: Orphanet 369840, MedGen C4517996, MONDO:0014144, OMIM 615356.
Inborn genetic diseases. Identifiers: MedGen C0950123, MeSH D030342.

Allele frequency attached by ClinVar (database versions not stated): gnomAD exomes below 0.00001 and 0.00003; ExAC 0.00005; gnomAD 0.00006; TOPMed 0.00010; ESP Exome Variant Server 0.00015.
gnomAD v4.1: 13 of 1,613,864 alleles (0.00081%); highest among the groups gnomAD compares: African/African-American, 0.017%; no homozygotes.

Submissions (4):

Women's Health and Genetics/Laboratory Corporation of America, LabCorp
Classification: Uncertain significance. Last evaluated: 2025-10-17. Review status: criteria provided, single submitter. Criteria: LabCorp Variant Classification Summary - May 2015. Collection method: clinical testing. Allele origin: germline.

Labcorp Genetics (formerly Invitae), Labcorp
Classification: Uncertain significance for Autosomal recessive limb-girdle muscular dystrophy type R18. Last evaluated: 2023-08-04. Review status: criteria provided, single submitter. Criteria: Invitae Variant Classification Sherloc (09022015). Collection method: clinical testing. Allele origin: germline.
Comment: In summary, the available evidence is currently insufficient to determine the role of this variant in disease. Therefore, it has been classified as a Variant of Uncertain Significance. Advanced modeling of protein sequence and biophysical properties (such as structural, functional, and spatial information, amino acid conservation, physicochemical variation, residue mobility, and thermodynamic stability) performed at Invitae indicates that this missense variant is expected to disrupt TRAPPC11 protein function. ClinVar contains an entry for this variant (Variation ID: 957977). This variant has not been reported in the literature in individuals affected with TRAPPC11-related conditions. This variant is present in population databases (rs150383310, gnomAD 0.04%). This sequence change replaces glycine, which is neutral and non-polar, with glutamic acid, which is acidic and polar, at codon 415 of the TRAPPC11 protein (p.Gly415Glu).

Ambry Genetics
Classification: Uncertain significance for Inborn genetic diseases. Last evaluated: 2021-10-14. Review status: criteria provided, single submitter. Criteria: Ambry Variant Classification Scheme 2023. Collection method: clinical testing. Allele origin: germline.

Revvity Omics, Revvity
Classification: Uncertain significance for Autosomal recessive limb-girdle muscular dystrophy type R18. Last evaluated: 2021-08-09. Review status: criteria provided, single submitter. Criteria: ACMG Guidelines, 2015. Collection method: clinical testing. Allele origin: germline.